The following is an entry in ClinVar:

ClinVar aggregate classification (germline): Pathogenic (1 of 4 stars; one submission).

Conditions:
Parathyroid carcinoma (PRTC). Also called: CDC73-Related Parathyroid Carcinoma; Parathyroid gland carcinoma. Identifiers: Orphanet 143, MedGen C0687150, MONDO:0012004, OMIM 608266, HP:0006780.

Submission:

Labcorp Genetics (formerly Invitae), Labcorp
Classification: Pathogenic for Parathyroid carcinoma. Last evaluated: 2025-11-11. Review status: criteria provided, single submitter. Criteria: Invitae Variant Classification Sherloc (09022015). Collection method: clinical testing. Allele origin: germline.
Comment: This sequence change creates a premature translational stop signal (p.Lys393*) in the CDC73 gene. It is expected to result in an absent or disrupted protein product. Loss-of-function variants in CDC73 are known to be pathogenic (PMID: 12434154). This variant is not present in population databases (gnomAD no frequency). This variant has not been reported in the literature in individuals affected with CDC73-related conditions. For these reasons, this variant has been classified as Pathogenic.

Literature cited by the submitters: PubMed 12434154.

NM_024529.5(CDC73):c.1177A>T (p.Lys393Ter)

Gene: CDC73 (cell division cycle 73; plus strand). Cytogenetic location: 1q31.2.
Variant type: single nucleotide variant.
Coding change: c.1177A>T on transcript NM_024529.5 (MANE Select); coding-DNA position 1177, A replaced by T.
Protein change: p.Lys393Ter; replaces lysine 393 with a stop codon.
Molecular consequence: nonsense.
Genome position (GRCh38, 1-based): chr1:193,233,015, A>T. VCF-style: chr1-193233015-A-T. GRCh37 (hg19) VCF-style: chr1-193202145-A-T.
Other names: short protein forms K393*.
Identifiers: ClinVar variation 4730979 (VCV004730979.1).